The following is an entry in ClinVar:

ClinVar aggregate classification (germline): Likely pathogenic (1 of 4 stars; one submission).

Conditions:
Mucolipidosis type IV (ML4). Also called: ML IV. Identifiers: Orphanet 578, MedGen C0238286, MONDO:0009653, OMIM 252650.

Submission:

Natera, Inc.
Classification: Likely pathogenic for Mucolipidosis type IV. Last evaluated: 2024-07-05. Review status: criteria provided, single submitter. Criteria: Natera Variant Classification Schema (03/2026). Collection method: clinical testing. Allele origin: germline.
Comment: The c.604_608delCCTCC variant in MCOLN1 is a frameshift variant predicted to shift the reading frame beginning at codon 202 and leads to a stop codon 38 codons downstream. This variant is expected to result in nonsense mediated decay, truncation, or a dysfunctional protein product. This variant is rare in the general population with a frequency below the threshold expected for the associated phenotype(s). Given the available evidence, this variant is classified as Likely Pathogenic.

NM_020533.3(MCOLN1):c.604_608del (p.Pro202fs)

Gene: MCOLN1 (mucolipin TRP cation channel 1; plus strand). Cytogenetic location: 19p13.2.
Variant type: Deletion.
Coding change: c.604_608del on transcript NM_020533.3 (MANE Select); coding-DNA positions 604 to 608, 5 bases deleted (CCTCC; older notation c.604_608delCCTCC).
Protein change: p.Pro202fs; shifts the reading frame from proline 202.
Molecular consequence: frameshift variant.
Genome position (GRCh38, 1-based): chr19:7,527,552-7,527,556, CCTCC deleted; deleting any 5 consecutive bases within chr19:7,527,550-7,527,556 gives the same sequence; the c. name uses the placement nearest the transcript's 3' end. VCF-style (leftmost placement, unchanged base first): chr19-7527549-CCCCCT-C. GRCh37 (hg19) VCF-style: chr19-7592435-CCCCCT-C.
Other names: short protein forms P202fs.
Identifiers: ClinVar variation 4816064 (VCV004816064.1).